The following is an entry in ClinVar:

ClinVar aggregate classification (germline): Uncertain significance (1 of 4 stars; one submission).

Conditions:
Norman-Roberts syndrome (LIS2). Also called: Lissencephaly 2 (Norman-Roberts type). Identifiers: Orphanet 89844, MedGen C0796089, MONDO:0009760, OMIM 257320.
Familial temporal lobe epilepsy 7. Identifiers: Orphanet 101046, MedGen C4225327, MONDO:0014639, OMIM 616436.

Allele frequency attached by ClinVar (database versions not stated): gnomAD 0.00001; gnomAD exomes 0.00001 and 0.00002; TOPMed 0.00001; ExAC 0.00002.
gnomAD v4.1: 13 of 1,613,860 alleles (0.00081%); highest among the groups gnomAD compares: East Asian, 0.0045%; no homozygotes.

Submission:

Labcorp Genetics (formerly Invitae), Labcorp
Classification: Uncertain significance for Familial temporal lobe epilepsy 7; Norman-Roberts syndrome. Last evaluated: 2025-04-21. Review status: criteria provided, single submitter. Criteria: Invitae Variant Classification Sherloc (09022015). Collection method: clinical testing. Allele origin: germline.
Comment: This sequence change replaces glutamic acid, which is acidic and polar, with lysine, which is basic and polar, at codon 1222 of the RELN protein (p.Glu1222Lys). This variant is present in population databases (rs762404220, gnomAD 0.003%). This variant has not been reported in the literature in individuals affected with RELN-related conditions. ClinVar contains an entry for this variant (Variation ID: 1385895). Invitae Evidence Modeling of protein sequence and biophysical properties (such as structural, functional, and spatial information, amino acid conservation, physicochemical variation, residue mobility, and thermodynamic stability) indicates that this missense variant is not expected to disrupt RELN protein function with a negative predictive value of 80%. In summary, the available evidence is currently insufficient to determine the role of this variant in disease. Therefore, it has been classified as a Variant of Uncertain Significance.

NM_005045.4(RELN):c.3664G>A (p.Glu1222Lys)

Gene: RELN (reelin; minus strand). Cytogenetic location: 7q22.1.
Variant type: single nucleotide variant.
Coding change: c.3664G>A on transcript NM_005045.4 (MANE Select); coding-DNA position 3664, G replaced by A.
Protein change: p.Glu1222Lys; replaces glutamic acid 1222 with lysine.
Molecular consequence: missense variant.
Genome position (GRCh38, 1-based): chr7:103,594,368, C>T on the plus strand (G>A on the coding strand, the complement: RELN is on the minus strand). VCF-style: chr7-103594368-C-T. GRCh37 (hg19) VCF-style: chr7-103234815-C-T.
Other names: c.3664G>A, p.Glu1222Lys (NM_173054.3); short protein forms E1222K.
Identifiers: ClinVar variation 1385895 (VCV001385895.8), dbSNP rs762404220, ClinGen allele CA4421695.